The following is an entry in ClinVar:

ClinVar aggregate classification (germline): Uncertain significance. Review status: criteria provided, single submitter (1 of 4 stars). 2 submissions from 2 submitters: Uncertain significance (1). 1 of the submissions does not count toward it. Last evaluated 2019-10-17.

Conditions:
Leigh syndrome (NULS). Also called: Leigh Disease; LEIGH SYNDROME, NUCLEAR; Leigh Syndrome (mtDNA deletion); Leigh's necrotizing encephalopathy; Leigh's disease; Leigh's syndrome. Identifiers: Orphanet 506, MedGen C2931891, MONDO:0009723, OMIM 256000.
Familial colorectal cancer. Identifiers: MedGen CN280943, MONDO:0023113. Disease mechanism: loss of function.

Submissions (2):

Wong Mito Lab, Molecular and Human Genetics, Baylor College of Medicine
Classification: Uncertain significance for Leigh syndrome. Last evaluated: 2019-10-17. Review status: criteria provided, single submitter. Criteria: Modified ACMG Guidelines (Unpublished). Collection method: clinical testing. Allele origin: germline.
Comment: The NC_012920.1:m.14985G>A (YP_003024038.1:p.Arg80His) variant in MTCYB gene is interpretated to be a Uncertain Significance variant based on the modified ACMG guidelines (unpublished). This variant meets the following evidence codes: PP6, PP7

OMIM
Classification: Pathogenic for COLORECTAL CANCER. Last evaluated: 1998-11-01. Review status: no assertion criteria provided. Collection method: literature only. Allele origin: unknown. Not counted in ClinVar's aggregate classification.

Literature cited by the submitters: PubMed 13298683 (cited by OMIM); PubMed 9806551 (cited by OMIM).

NC_012920.1(MT-CYB):m.14985G>A

Gene: MT-CYB (mitochondrially encoded cytochrome b; plus strand).
Variant type: single nucleotide variant.
Genome position: chrM-14985-G-A.
Other names: MTCYB, 14985G-A, ARG80HIS; R80H.
Identifiers: ClinVar variation 9676 (VCV000009676.2), dbSNP rs207459995, ClinGen allele CA250587.
Genomic context (GRCh38, chrMT:14,985, plus strand): 5'-CAACCGCCTTTTCATCAATCGCCCACATCACTCGAGACGTAAATTATGGCTGAATCATCC[G>A]CTACCTTCACGCCAATGGCGCCTCAATATTCTTTATCTGCCTCTTCCTACACATCGGGCG-3'